The following is an entry in ClinVar:

NM_001999.4(FBN2):c.5575A>G (p.Asn1859Asp)

Gene: FBN2 (fibrillin 2; minus strand). Cytogenetic location: 5q23.3.
Variant type: single nucleotide variant.
Coding change: c.5575A>G on transcript NM_001999.4 (MANE Select); coding-DNA position 5575, A replaced by G.
Protein change: p.Asn1859Asp; replaces asparagine 1859 with aspartic acid.
Molecular consequence: missense variant.
Genome position (GRCh38, 1-based): chr5:128,305,610, T>C on the plus strand (A>G on the coding strand, the complement: FBN2 is on the minus strand). VCF-style: chr5-128305610-T-C. GRCh37 (hg19) VCF-style: chr5-127641302-T-C.
Other names: short protein forms N1859D.
Identifiers: ClinVar variation 4635386 (VCV004635386.1).

ClinVar aggregate classification (germline): Uncertain significance (1 of 4 stars; one submission).

Conditions:
Familial thoracic aortic aneurysm and aortic dissection (TAAD). Also called: Thoracic aortic aneurysms and dissections. Identifiers: Orphanet 91387, MedGen C4707243, MONDO:0019625.

Submission:

Ambry Genetics
Classification: Uncertain significance for Familial thoracic aortic aneurysm and aortic dissection. Last evaluated: 2025-12-11. Review status: criteria provided, single submitter. Criteria: Ambry Variant Classification Scheme 2023. Collection method: clinical testing. Allele origin: germline.
Comment: The p.N1859D variant (also known as c.5575A>G), located in coding exon 44 of the FBN2 gene, results from an A to G substitution at nucleotide position 5575. The asparagine at codon 1859 is replaced by aspartic acid, an amino acid with highly similar properties. This amino acid position is conserved. In addition, the in silico prediction for this alteration is inconclusive. Based on the available evidence, the clinical significance of this variant remains unclear.